The following is an entry in ClinVar:

ClinVar aggregate classification (germline): Uncertain significance. Review status: criteria provided, multiple submitters, no conflicts (2 of 4 stars). 4 submissions from 4 submitters: Uncertain significance (4). Last evaluated 2025-07-03.

Conditions:
Cutis laxa, autosomal recessive, type 1B (ARCL1B). Also called: CUTIS LAXA, AUTOSOMAL RECESSIVE, TYPE IB; EFEMP2-Related Cutis Laxa. Identifiers: Orphanet 90349, MedGen C3280798, MONDO:0013754, OMIM 614437. Disease mechanism: loss of function.
Cardiovascular phenotype. Identifiers: MedGen CN230736.

Allele frequency attached by ClinVar (database versions not stated): ExAC 0.00001; gnomAD 0.00002.
gnomAD v4.1: 11 of 1,613,710 alleles (0.00068%); highest among the groups gnomAD compares: East Asian, 0.0022%; no homozygotes.

Submissions (4):

Ambry Genetics
Classification: Uncertain significance for Cardiovascular phenotype. Last evaluated: 2025-07-03. Review status: criteria provided, single submitter. Criteria: Ambry Variant Classification Scheme 2023. Collection method: clinical testing. Allele origin: germline.
Comment: The p.A291V variant (also known as c.872C>T), located in coding exon 8 of the EFEMP2 gene, results from a C to T substitution at nucleotide position 872. The alanine at codon 291 is replaced by valine, an amino acid with similar properties. This amino acid position is poorly conserved in available vertebrate species. In addition, this alteration is predicted to be tolerated by in silico analysis. Based on the available evidence, the clinical significance of this variant remains unclear.

Labcorp Genetics (formerly Invitae), Labcorp
Classification: Uncertain significance for Cutis laxa, autosomal recessive, type 1B. Last evaluated: 2025-06-03. Review status: criteria provided, single submitter. Criteria: Invitae Variant Classification Sherloc (09022015). Collection method: clinical testing. Allele origin: germline.
Comment: This sequence change replaces alanine, which is neutral and non-polar, with valine, which is neutral and non-polar, at codon 291 of the EFEMP2 protein (p.Ala291Val). This variant is not present in population databases (gnomAD no frequency). This variant has not been reported in the literature in individuals affected with EFEMP2-related conditions. ClinVar contains an entry for this variant (Variation ID: 305381). Invitae Evidence Modeling of protein sequence and biophysical properties (such as structural, functional, and spatial information, amino acid conservation, physicochemical variation, residue mobility, and thermodynamic stability) indicates that this missense variant is not expected to disrupt EFEMP2 protein function with a negative predictive value of 95%. In summary, the available evidence is currently insufficient to determine the role of this variant in disease. Therefore, it has been classified as a Variant of Uncertain Significance.

GeneDx
Classification: Uncertain significance. Last evaluated: 2024-05-16. Review status: criteria provided, single submitter. Criteria: GeneDx Variant Classification Process June 2021. Collection method: clinical testing. Allele origin: germline. Affected: yes.
Comment: Not observed at significant frequency in large population cohorts (gnomAD); In silico analysis indicates that this missense variant does not alter protein structure/function; Has not been previously published as pathogenic or benign to our knowledge

Illumina Laboratory Services, Illumina
Classification: Uncertain significance for Cutis laxa, autosomal recessive, type 1B. Last evaluated: 2018-01-13. Review status: criteria provided, single submitter. Criteria: ICSL Variant Classification Criteria 13 December 2019. Collection method: clinical testing. Allele origin: germline.

NM_016938.5(EFEMP2):c.872C>T (p.Ala291Val)

Gene: EFEMP2 (EGF-like fibulin extracellular matrix protein 2; minus strand). Cytogenetic location: 11q13.1.
Variant type: single nucleotide variant.
Coding change: c.872C>T on transcript NM_016938.5 (MANE Select); coding-DNA position 872, C replaced by T.
Protein change: p.Ala291Val; replaces alanine 291 with valine.
Molecular consequence: missense variant. On other transcripts: non-coding transcript variant (1).
Genome position (GRCh38, 1-based): chr11:65,868,397, G>A on the plus strand (C>T on the coding strand, the complement: EFEMP2 is on the minus strand). VCF-style: chr11-65868397-G-A. GRCh37 (hg19) VCF-style: chr11-65635868-G-A.
Other names: short protein forms A291V.
Identifiers: ClinVar variation 305381 (VCV000305381.13), dbSNP rs753778921, ClinGen allele CA6110495.